The following is an entry in ClinVar:

ClinVar aggregate classification (germline): Likely pathogenic (1 of 4 stars; one submission).

Conditions:
Schaaf-Yang syndrome (SHFYNG). Also called: MAGEL2-related Prader-Willi-like syndrome; Arthrogryposis, distal, with hypopituitarism, intellectual disability, and facial anomalies. Identifiers: Orphanet 398069, MedGen C5575066, MONDO:0014243, OMIM 615547.

Submission:

3billion
Classification: Likely pathogenic for Schaaf-Yang syndrome. Last evaluated: 2024-11-20. Review status: criteria provided, single submitter. Criteria: ACMG Guidelines, 2015. Collection method: clinical testing. Allele origin: germline. Affected: yes.
Comment: The variant is not observed in the gnomAD v4.1.0 dataset. Predicted Consequence/Location: Frameshift: predicted to result in a loss or disruption of normal protein function through protein truncation. The predicted truncated protein may be shortened by more than 10%. Therefore, this variant is classified as Likely pathogenic according to the recommendation of ACMG/AMP guideline.

NM_019066.5(MAGEL2):c.1609del (p.Gln537fs)

Gene: MAGEL2 (MAGE family member L2; minus strand). Cytogenetic location: 15q11.2.
Variant type: Deletion.
Coding change: c.1609del on transcript NM_019066.5 (MANE Select); coding-DNA position 1609, one base deleted (C; older notation c.1609delC).
Protein change: p.Gln537fs; shifts the reading frame from glutamine 537.
Molecular consequence: frameshift variant.
Genome position (GRCh38, 1-based): chr15:23,646,134, G deleted on the plus strand (C on the coding strand, the reverse complement: MAGEL2 is on the minus strand). VCF-style (leftmost placement, unchanged base first): chr15-23646133-TG-T. GRCh37 (hg19) VCF-style: chr15-23891280-TG-T.
Other names: short protein forms Q537fs.
Identifiers: ClinVar variation 4294038 (VCV004294038.1).